The following is an entry in ClinVar:

ClinVar aggregate classification (germline): Uncertain significance (1 of 4 stars; one submission).

Conditions:
Singleton-Merten syndrome 1 (SGMRT1). Also called: Widened medullary cavities of bone, aortic calcification, abnormal dentition, and muscular weakness; Syndrome of widened medullary cavities of the metacarpals and phalanges, aortic calcification and abnormal dentition. Identifiers: Orphanet 85191, MedGen C4225427, MONDO:0024535, OMIM 182250.
Aicardi-Goutieres syndrome 7 (AGS7). Identifiers: Orphanet 51, MedGen C3888244, MONDO:0014367, OMIM 615846.

Allele frequency attached by ClinVar (database versions not stated): gnomAD exomes below 0.00001.
gnomAD v4.1: 1 of 1,571,256 alleles (0.000064%); highest among the groups gnomAD compares: Non-Finnish European, 0.000087%; no homozygotes.

Submission:

Labcorp Genetics (formerly Invitae), Labcorp
Classification: Uncertain significance for Aicardi-Goutieres syndrome 7; Singleton-Merten syndrome 1. Last evaluated: 2024-04-02. Review status: criteria provided, single submitter. Criteria: Invitae Variant Classification Sherloc (09022015). Collection method: clinical testing. Allele origin: germline.
Comment: This sequence change falls in intron 11 of the IFIH1 gene. It does not directly change the encoded amino acid sequence of the IFIH1 protein. It affects a nucleotide within the consensus splice site. This variant is not present in population databases (gnomAD no frequency). This variant has not been reported in the literature in individuals affected with IFIH1-related conditions. ClinVar contains an entry for this variant (Variation ID: 1481431). Variants that disrupt the consensus splice site are a relatively common cause of aberrant splicing (PMID: 17576681, 9536098). Algorithms developed to predict the effect of sequence changes on RNA splicing suggest that this variant is not likely to affect RNA splicing. In summary, the available evidence is currently insufficient to determine the role of this variant in disease. Therefore, it has been classified as a Variant of Uncertain Significance.

Literature cited by the submitters: PubMed 17576681; PubMed 9536098.

NM_022168.4(IFIH1):c.2305-3C>T

Gene: IFIH1 (interferon induced with helicase C domain 1; minus strand). Cytogenetic location: 2q24.2.
Variant type: single nucleotide variant.
Coding change: c.2305-3C>T on transcript NM_022168.4 (MANE Select); 3 bases into the intron before coding-DNA position 2305, C replaced by T.
Molecular consequence: intron variant.
Genome position (GRCh38, 1-based): chr2:162,273,947, G>A on the plus strand (C>T on the coding strand, the complement: IFIH1 is on the minus strand). VCF-style: chr2-162273947-G-A. GRCh37 (hg19) VCF-style: chr2-163130457-G-A.
Identifiers: ClinVar variation 1481431 (VCV001481431.6), dbSNP rs2105193842, ClinGen allele CA2573133437.